The following is an entry in ClinVar:

NM_001267550.2(TTN):c.69870_69871del (p.Thr23291fs)

Genes: TTN (titin; minus strand), TTN-AS1 (TTN antisense RNA 1; plus strand), LOC126806422 (BRD4-independent group 4 enhancer GRCh37_chr2:179440205-179441404; plus strand). Cytogenetic location: 2q31.2.
Variant type: Deletion.
Coding change: c.69870_69871del on transcript NM_001267550.2 (MANE Select); coding-DNA positions 69870 to 69871, 2 bases deleted (TA; older notation c.69870_69871delTA).
Protein change: p.Thr23291fs; shifts the reading frame from threonine 23291.
Molecular consequence: frameshift variant.
Genome position (GRCh38, 1-based): chr2:178,576,261-178,576,262, TA deleted on the plus strand (TA on the coding strand, the reverse complement: TTN is on the minus strand); deleting any 2 consecutive bases within chr2:178,576,261-178,576,263 gives the same sequence; the c. name uses the placement nearest the transcript's 3' end. VCF-style (leftmost placement, unchanged base first): chr2-178576260-GTA-G. GRCh37 (hg19) VCF-style: chr2-179440987-GTA-G.
Other names: c.64947_64948del, p.Thr21650fs (NM_001256850.1); c.42675_42676del, p.Thr14226fs (NM_003319.4); c.62166_62167del, p.Thr20723fs (NM_133378.4); c.43050_43051del, p.Thr14351fs (NM_133432.3); c.43251_43252del, p.Thr14418fs (NM_133437.4); short protein forms T14418fs, T21650fs, T14226fs, T23291fs, T14351fs, T20723fs.
Identifiers: ClinVar variation 4786650 (VCV004786650.1).

ClinVar aggregate classification (germline): Likely pathogenic (1 of 4 stars; one submission).

Conditions:
Autosomal recessive limb-girdle muscular dystrophy type 2J (LGMDR10). Also called: Limb-girdle muscular dystrophy, type 2J; MUSCULAR DYSTROPHY, LIMB-GIRDLE, AUTOSOMAL RECESSIVE 10. Identifiers: Orphanet 140922, MedGen C1837342, MONDO:0012127, OMIM 608807.
Dilated cardiomyopathy 1G (CMD1G). Identifiers: Orphanet 154, MedGen C1858763, MONDO:0011400, OMIM 604145.

Submission:

Labcorp Genetics (formerly Invitae), Labcorp
Classification: Likely pathogenic for Dilated cardiomyopathy 1G; Autosomal recessive limb-girdle muscular dystrophy type 2J. Last evaluated: 2025-11-09. Review status: criteria provided, single submitter. Criteria: Invitae Variant Classification Sherloc (09022015). Collection method: clinical testing. Allele origin: germline.
Comment: This sequence change creates a premature translational stop signal (p.Thr23291Hisfs*14) in the TTN gene. While this is not anticipated to result in nonsense mediated decay, it is expected to create a truncated TTN protein. This variant is not present in population databases (gnomAD no frequency). This variant has not been reported in the literature in individuals affected with TTN-related conditions. This variant is located in the A band of TTN (PMID: 25589632). Truncating variants in this region are significantly overrepresented in patients affected with dilated cardiomyopathy (PMID: 25589632). Truncating variants in this region have also been reported in individuals affected with autosomal recessive centronuclear myopathy (PMID: 23975875). In summary, the currently available evidence indicates that the variant is pathogenic, but additional data are needed to prove that conclusively. Therefore, this variant has been classified as Likely Pathogenic.

Literature cited by the submitters: PubMed 25589632; PubMed 23975875.